The following is an entry in ClinVar:

ClinVar aggregate classification (germline): Conflicting classifications of pathogenicity. Review status: criteria provided, conflicting classifications (1 of 4 stars). 6 submissions from 6 submitters: Uncertain significance (1); Likely benign (3). 2 of the submissions do not count toward it. Last evaluated 2025-12-28.

Conditions:
ACAD9-related disorder. Also called: ACAD9-related condition.
Acyl-CoA dehydrogenase 9 deficiency. Also called: Acyl-CoA dehydrogenase family, member 9, deficiency of; MITOCHONDRIAL COMPLEX I DEFICIENCY, NUCLEAR TYPE 20. Identifiers: Orphanet 99901, MedGen C4747517, MONDO:0012624, OMIM 611126.

Allele frequency attached by ClinVar (database versions not stated): gnomAD 0.00005 and 0.00007; gnomAD exomes 0.00005 and 0.00008; ExAC 0.00008; TOPMed 0.00009; 1000 Genomes Project 0.00020; 1000 Genomes Project 30x 0.00031.
gnomAD v4.1: 83 of 1,613,982 alleles (0.0051%); highest among the groups gnomAD compares: Middle Eastern, 0.05%; no homozygotes.

Submissions (6):

Labcorp Genetics (formerly Invitae), Labcorp
Classification: Likely benign. Last evaluated: 2025-12-28. Review status: criteria provided, single submitter. Criteria: Invitae Variant Classification Sherloc (09022015). Collection method: clinical testing. Allele origin: germline.

Mayo Clinic Laboratories, Mayo Clinic
Classification: Likely benign. Last evaluated: 2025-09-12. Review status: criteria provided, single submitter. Criteria: ACMG Guidelines, 2015. Collection method: clinical testing. Allele origin: germline. Observed: 1 variant allele.
Comment: BP4, BP7

Blueprint Genetics
Classification: Likely benign. Last evaluated: 2024-09-06. Review status: criteria provided, single submitter. Criteria: ACMG Guidelines, 2015. Collection method: clinical testing. Allele origin: germline.

Illumina Laboratory Services, Illumina
Classification: Uncertain significance for Acyl-CoA dehydrogenase 9 deficiency. Last evaluated: 2018-01-13. Review status: criteria provided, single submitter. Criteria: ICSL Variant Classification Criteria 13 December 2019. Collection method: clinical testing. Allele origin: germline.

Natera, Inc.
Classification: Likely benign for ACAD9 deficiency. Last evaluated: 2020-11-20. Review status: no assertion criteria provided. Collection method: clinical testing. Allele origin: germline. Not counted in ClinVar's aggregate classification.

PreventionGenetics, part of Exact Sciences
Classification: Likely benign for ACAD9-related condition. Last evaluated: 2019-10-25. Review status: no assertion criteria provided. Collection method: clinical testing. Allele origin: germline. Not counted in ClinVar's aggregate classification.
Comment: This variant is classified as likely benign based on ACMG/AMP sequence variant interpretation guidelines (Richards et al. 2015 PMID: 25741868, with internal and published modifications).

NM_014049.5(ACAD9):c.1650C>G (p.Ala550=)

Genes: ACAD9 (acyl-CoA dehydrogenase family member 9; plus strand), CFAP92 (cilia and flagella associated protein 92 (putative); minus strand). Cytogenetic location: 3q21.3.
Variant type: single nucleotide variant.
Coding change: c.1650C>G on transcript NM_014049.5 (MANE Select); coding-DNA position 1650, C replaced by G.
Protein change: p.Ala550=; no amino-acid change (alanine 550 retained).
Molecular consequence: synonymous variant. On other transcripts: non-coding transcript variant (1), 3 prime UTR variant (3).
Genome position (GRCh38, 1-based): chr3:128,910,107, C>G. VCF-style: chr3-128910107-C-G. GRCh37 (hg19) VCF-style: chr3-128628950-C-G.
Other names: p.Ala550=; c.1281C>G, p.Ala427= (NM_001410805.1); c.*192G>C (NM_001348520.2, NM_001348521.2, NM_001394090.1).
Identifiers: ClinVar variation 343205 (VCV000343205.23), dbSNP rs559422558, ClinGen allele CA2601635.